The following is an entry in ClinVar:

ClinVar aggregate classification (germline): Uncertain significance (1 of 4 stars; one submission).

Submission:

GeneDx
Classification: Uncertain significance. Last evaluated: 2022-06-06. Review status: criteria provided, single submitter. Criteria: GeneDx Variant Classification Process June 2021. Collection method: clinical testing. Allele origin: germline. Affected: yes.
Comment: Not observed at significant frequency in large population cohorts (gnomAD); In silico analysis supports that this missense variant has a deleterious effect on protein structure/function; Has not been previously published as pathogenic or benign to our knowledge

NM_016148.5(SHANK1):c.2114T>A (p.Val705Glu)

Gene: SHANK1 (SH3 and multiple ankyrin repeat domains 1; minus strand). Cytogenetic location: 19q13.33.
Variant type: single nucleotide variant.
Coding change: c.2114T>A on transcript NM_016148.5 (MANE Select); coding-DNA position 2114, T replaced by A.
Protein change: p.Val705Glu; replaces valine 705 with glutamic acid.
Molecular consequence: missense variant.
Genome position (GRCh38, 1-based): chr19:50,688,902, A>T on the plus strand (T>A on the coding strand, the complement: SHANK1 is on the minus strand). VCF-style: chr19-50688902-A-T. GRCh37 (hg19) VCF-style: chr19-51192159-A-T.
Other names: short protein forms V705E.
Identifiers: ClinVar variation 1803298 (VCV001803298.1), dbSNP rs2513925458, ClinGen allele CA407026273.